The following is an entry in ClinVar:

ClinVar aggregate classification (germline): Uncertain significance. Review status: criteria provided, multiple submitters, no conflicts (2 of 4 stars). 3 submissions from 3 submitters: Uncertain significance (2). 1 of the submissions does not count toward it. Last evaluated 2024-12-02.

Conditions:
Developmental delay with or without epilepsy (DEVEP). Identifiers: MedGen C5882702, MONDO:0957815, OMIM 620540.
Early-infantile DEE. Also called: Ohtahara syndrome; Early infantile epileptic encephalopathy; Early infantile epileptic encephalopathy with suppression bursts. Identifiers: Orphanet 1934, MedGen C0393706, MONDO:0800491.

Allele frequency attached by ClinVar (database versions not stated): gnomAD exomes 0.00002; gnomAD 0.00003 and 0.00004; ExAC 0.00005; TOPMed 0.00007; ESP Exome Variant Server 0.00008.
gnomAD v4.1: 28 of 1,613,956 alleles (0.0017%); highest among the groups gnomAD compares: African/African-American, 0.0067%; no homozygotes.

Submissions (3):

Labcorp Genetics (formerly Invitae), Labcorp
Classification: Uncertain significance for Early-infantile DEE. Last evaluated: 2024-12-02. Review status: criteria provided, single submitter. Criteria: Invitae Variant Classification Sherloc (09022015). Collection method: clinical testing. Allele origin: germline.
Comment: This sequence change replaces arginine, which is basic and polar, with cysteine, which is neutral and slightly polar, at codon 1437 of the SPTAN1 protein (p.Arg1437Cys). This variant is present in population databases (rs373033857, gnomAD 0.01%). This variant has not been reported in the literature in individuals affected with SPTAN1-related conditions. ClinVar contains an entry for this variant (Variation ID: 207375). Invitae Evidence Modeling of protein sequence and biophysical properties (such as structural, functional, and spatial information, amino acid conservation, physicochemical variation, residue mobility, and thermodynamic stability) has been performed for this missense variant. However, the output from this modeling did not meet the statistical confidence thresholds required to predict the impact of this variant on SPTAN1 protein function. In summary, the available evidence is currently insufficient to determine the role of this variant in disease. Therefore, it has been classified as a Variant of Uncertain Significance.

GeneDx
Classification: Uncertain significance. Last evaluated: 2014-11-24. Review status: criteria provided, single submitter. Criteria: GeneDx Variant Classification (06012015). Collection method: clinical testing. Allele origin: germline. Affected: yes.
Comment: p.Arg1437Cys (CGC>TGC): c.4309 C>T in exon 33 of the SPTAN1 gene (NM_001130438.2) The R1437C variant has not been published as a mutation, nor has it been reported as a benign polymorphism to our knowledge. The R1437C variant was not observed with any significant frequency in approximately 6,500 individuals of European and African American ancestry in the NHLBI Exome Sequencing Project. The R1437C variant is a non-conservative amino acid substitution, which is likely to impact secondary protein structure as these residues differ in polarity, charge, size and/or other properties. This substitution occurs at a position that is conserved across species, and in silico analysis predicts this variant is probably damaging to the protein structure/function. However, previously reported pathogenic mutations in SPTAN1 include in-frame deletions or duplications located within the last four spectrin repeats of the protein, which are essential for dimerization (Saitsu et al., 2010), and the R1437 residue is outside this region. Therefore, based on the currently available information, it is unclear whether this variant is a pathogenic mutation or a rare benign variant. The variant is found in EPILEPSY panel(s).

Clinical Genetics Laboratory, University Hospital Schleswig-Holstein
Classification: Uncertain significance for Developmental delay with or without epilepsy. Last evaluated: 2024-07-19. Review status: no assertion criteria provided. Collection method: clinical testing. Allele origin: paternal. Affected: yes. Not counted in ClinVar's aggregate classification.

NM_001130438.3(SPTAN1):c.4309C>T (p.Arg1437Cys)

Gene: SPTAN1 (spectrin alpha, non-erythrocytic 1; plus strand). Cytogenetic location: 9q34.11.
Variant type: single nucleotide variant.
Coding change: c.4309C>T on transcript NM_001130438.3 (MANE Select); coding-DNA position 4309, C replaced by T.
Protein change: p.Arg1437Cys; replaces arginine 1437 with cysteine.
Molecular consequence: missense variant.
Genome position (GRCh38, 1-based): chr9:128,608,014, C>T. VCF-style: chr9-128608014-C-T. GRCh37 (hg19) VCF-style: chr9-131370293-C-T.
Other names: p.R1437C:CGC>TGC; c.4249C>T, p.Arg1417Cys (NM_001195532.2, NM_001363765.2); c.4309C>T, p.Arg1437Cys (NM_001363759.2, NM_003127.4); short protein forms R1437C, R1417C.
Identifiers: ClinVar variation 207375 (VCV000207375.9), dbSNP rs373033857, ClinGen allele CA318778.
Genomic context (GRCh38, chr9:128,608,014, plus strand): 5'-AAGCAGAAACTTGATATTCTTGACCAGGAGCGTGCAGACCTGGAGAAGGCCTGGGTTCAG[C>T]GCAGGATGATGCTGGATCAGTGCCTTGAACTGCAGGTGTGTGTGCTCCTGGTTTCTGACC-3'
Protein context (NP_001123910.1, residues 1427-1447): RADLEKAWVQ[Arg1437Cys]RMMLDQCLEL